The following is an entry in ClinVar:

NM_021098.3(CACNA1H):c.2845G>A (p.Asp949Asn)

Gene: CACNA1H (calcium voltage-gated channel subunit alpha1 H; plus strand). Cytogenetic location: 16p13.3.
Variant type: single nucleotide variant.
Coding change: c.2845G>A on transcript NM_021098.3 (MANE Select); coding-DNA position 2845, G replaced by A.
Protein change: p.Asp949Asn; replaces aspartic acid 949 with asparagine.
Molecular consequence: missense variant.
Genome position (GRCh38, 1-based): chr16:1,207,056, G>A. VCF-style: chr16-1207056-G-A. GRCh37 (hg19) VCF-style: chr16-1257056-G-A.
Other names: c.2845G>A, p.Asp949Asn (NM_001005407.2); short protein forms D949N.
Identifiers: ClinVar variation 1351379 (VCV001351379.8), dbSNP rs751635916, ClinGen allele CA7800460.

ClinVar aggregate classification (germline): Uncertain significance (1 of 4 stars; one submission).

Conditions:
Idiopathic generalized epilepsy. Also called: EIG; Generalised epilepsy. Identifiers: MedGen C0270850, MONDO:0005579, OMIM 600669.
Hyperaldosteronism, familial, type IV (HALD4). Also called: FH IV; ALDOSTERONISM, PRIMARY, AND HYPERTENSION. Identifiers: Orphanet 642671, MedGen C4310756, MONDO:0014875, OMIM 617027.

Allele frequency attached by ClinVar (database versions not stated): gnomAD exomes 0.00002; ExAC 0.00010.
gnomAD v4.1: 13 of 1,603,348 alleles (0.00081%); highest among the groups gnomAD compares: Non-Finnish European, 0.001%; no homozygotes.

Submission:

Labcorp Genetics (formerly Invitae), Labcorp
Classification: Uncertain significance for Idiopathic generalized epilepsy; Hyperaldosteronism, familial, type IV. Last evaluated: 2021-06-01. Review status: criteria provided, single submitter. Criteria: Invitae Variant Classification Sherloc (09022015). Collection method: clinical testing. Allele origin: germline.
Comment: This variant is present in population databases (rs751635916, ExAC 0.02%). This variant has not been reported in the literature in individuals with CACNA1H-related conditions. Algorithms developed to predict the effect of missense changes on protein structure and function are either unavailable or do not agree on the potential impact of this missense change (SIFT: "Deleterious"; PolyPhen-2: "Probably Damaging"; Align-GVGD: "Class C0"). In summary, the available evidence is currently insufficient to determine the role of this variant in disease. Therefore, it has been classified as a Variant of Uncertain Significance. This sequence change replaces aspartic acid with asparagine at codon 949 of the CACNA1H protein (p.Asp949Asn). The aspartic acid residue is highly conserved and there is a small physicochemical difference between aspartic acid and asparagine.